The following is an entry in ClinVar:

ClinVar aggregate classification (germline): Uncertain significance (1 of 4 stars; one submission).

Submission:

Mayo Clinic Laboratories, Mayo Clinic
Classification: Uncertain significance. Last evaluated: 2024-09-11. Review status: criteria provided, single submitter. Criteria: ACMG Guidelines, 2015. Collection method: clinical testing. Allele origin: germline. Observed: 1 variant allele.
Comment: BP4, PM2

NM_198241.3(EIF4G1):c.1926C>G (p.Asp642Glu)

Gene: EIF4G1 (eukaryotic translation initiation factor 4 gamma 1; plus strand). Cytogenetic location: 3q27.1.
Variant type: single nucleotide variant.
Coding change: c.1926C>G on transcript NM_198241.3 (MANE Select); coding-DNA position 1926, C replaced by G.
Protein change: p.Asp642Glu; replaces aspartic acid 642 with glutamic acid.
Molecular consequence: missense variant.
Genome position (GRCh38, 1-based): chr3:184,322,951, C>G. VCF-style: chr3-184322951-C-G. GRCh37 (hg19) VCF-style: chr3-184040739-C-G.
Other names: p.Asp642Glu; c.1947C>G, p.Asp649Glu (NM_001194946.2, NM_001194947.2); c.1806C>G, p.Asp602Glu (NM_001291157.2); c.1338C>G, p.Asp446Glu (NM_004953.5); c.1926C>G, p.Asp642Glu (NM_182917.4); c.1434C>G, p.Asp478Glu (NM_198242.3); c.1665C>G, p.Asp555Glu (NM_198244.3); short protein forms D446E, D478E, D555E, D602E, D642E, D649E.
Identifiers: ClinVar variation 3379516 (VCV003379516.1).